The following is an entry in ClinVar:

NM_007294.4(BRCA1):c.3285del (p.Lys1095fs)

Genes: BRCA1 (BRCA1 DNA repair associated; minus strand), LOC126862571 (BRD4-independent group 4 enhancer GRCh37_chr17:41243136-41244335; plus strand). Cytogenetic location: 17q21.31.
Variant type: Deletion.
Coding change: c.3285del on transcript NM_007294.4 (MANE Select); coding-DNA position 3285, one base deleted (A; older notation c.3285delA).
Protein change: p.Lys1095fs; shifts the reading frame from lysine 1095.
Molecular consequence: frameshift variant. On other transcripts: intron variant (137).
Genome position (GRCh38, 1-based): chr17:43,092,246, T deleted on the plus strand (A on the coding strand, the reverse complement: BRCA1 is on the minus strand); the first of 3 consecutive T bases (chr17:43,092,246-43,092,248); deleting any one gives the same sequence. VCF-style (leftmost placement, unchanged base first): chr17-43092245-GT-G. GRCh37 (hg19) VCF-style: chr17-41244262-GT-G.
Other names: c.3285delA (NM_007294.3); c.3285del, p.Lys1095fs (NM_001407859.1, NM_007300.4, NM_001407581.1 and 30 more transcripts); c.3282del, p.Lys1094fs (NM_001407860.1, NM_001407861.1, NM_001407587.1 and 22 more transcripts); c.3084del, p.Lys1028fs (NM_001407862.1); c.3162del, p.Lys1054fs (NM_001407863.1, NM_001407919.1, NM_001407937.1 and 19 more transcripts); c.3081del, p.Lys1027fs (NM_001407874.1, NM_001407875.1); c.3075del, p.Lys1025fs (NM_001407879.1, NM_001407881.1, NM_001407882.1 and 13 more transcripts); c.3072del, p.Lys1024fs (NM_001407894.1, NM_001407895.1, NM_001407896.1 and 9 more transcripts); and 42 more; short protein forms K1095fs, K1048fs, K1054fs, K927fs, K968fs, K1024fs, K1025fs, K1053fs.
Identifiers: ClinVar variation 54817 (VCV000054817.19), dbSNP rs397509051, ClinGen allele CA002117.
Genomic context (GRCh38, chr17:43,092,245, plus strand): 5'-CTTCTTCATATTCTTGCTTTTTTATTTCAGGATGCTTACAATTACTTCCAGGAAGACTTT[GT>G]TTATAGACCTCAGGTTGCAAAACCCCTAATCTAAGCATAGCATTCAATTTTGGCCCTCTG-3'

ClinVar aggregate classification (germline): Pathogenic. Review status: reviewed by expert panel (3 of 4 stars). 8 submissions from 8 submitters: Pathogenic (1). 7 of the submissions do not count toward it. Last evaluated 2016-09-08.

Conditions:
Hereditary cancer-predisposing syndrome. Also called: Tumor predisposition; Neoplastic Syndromes, Hereditary; Hereditary Cancer Syndrome; Hereditary neoplastic syndrome. Identifiers: Orphanet 140162, MedGen C0027672, MeSH D009386, MONDO:0015356.
Hereditary breast ovarian cancer syndrome. Also called: Hereditary breast and ovarian cancer syndrome (HBOC); Hereditary breast and ovarian cancer syndrome; Hereditary breast and ovarian cancer; Hereditary breast and/or ovarian cancer syndrome; Breast and ovarian cancer; BRCA1- and BRCA2-Associated Hereditary Breast and Ovarian Cancer. Identifiers: Orphanet 145, MedGen C0677776, MeSH D061325, MONDO:0003582. Disease mechanism: loss of function.
Breast-ovarian cancer, familial, susceptibility to, 1 (BROVCA1). Also called: OVARIAN CANCER, SUSCEPTIBILITY TO; BRCA1 Hereditary Breast and Ovarian Cancer. Identifiers: Orphanet 145, MedGen C2676676, MONDO:0011450, OMIM 604370. Disease mechanism: loss of function.

Submissions (8):

Evidence-based Network for the Interpretation of Germline Mutant Alleles (ENIGMA)
Classification: Pathogenic for Breast-ovarian cancer, familial, susceptibility to, 1. Last evaluated: 2016-09-08. Review status: reviewed by expert panel. Criteria: ENIGMA BRCA1/2 Classification Criteria (2015). Collection method: curation. Allele origin: germline.
Comment: Variant allele predicted to encode a truncated non-functional protein.

Labcorp Genetics (formerly Invitae), Labcorp
Classification: Pathogenic for Hereditary breast ovarian cancer syndrome. Last evaluated: 2025-04-26. Review status: criteria provided, single submitter. Criteria: Invitae Variant Classification Sherloc (09022015). Collection method: clinical testing. Allele origin: germline. Not counted in ClinVar's aggregate classification.
Comment: This sequence change creates a premature translational stop signal (p.Lys1095Asnfs*14) in the BRCA1 gene. It is expected to result in an absent or disrupted protein product. Loss-of-function variants in BRCA1 are known to be pathogenic (PMID: 20104584). This variant is not present in population databases (gnomAD no frequency). This premature translational stop signal has been observed in individual(s) with breast and/or ovarian cancer (PMID: 18821011, 31336956). ClinVar contains an entry for this variant (Variation ID: 54817). For these reasons, this variant has been classified as Pathogenic.

Color Diagnostics, LLC DBA Color Health
Classification: Pathogenic for Hereditary cancer-predisposing syndrome. Last evaluated: 2023-04-20. Review status: criteria provided, single submitter. Criteria: ACMG Guidelines, 2015. Collection method: clinical testing. Allele origin: germline. Not counted in ClinVar's aggregate classification.
Comment: This variant deletes 1 nucleotide in exon 10 of the BRCA1 gene, creating a frameshift and premature translation stop signal. This variant is expected to result in an absent or non-functional protein product. To our knowledge, functional studies have not been reported for this variant. This variant has been observed in individuals and families affected with breast and ovarian cancer (PMID: 18821011, 21120943, 30263092, 31336956, 32438681; Color internal data). This variant also is reported as a suspected founder mutation in Italy (PMID: 18821011, 23199084). In a large breast cancer case-control study, this variant has been observed in 1/60466 cases and 1/53461 unaffected controls (PMID: 33471991). This variant has not been identified in the general population by the Genome Aggregation Database (gnomAD). Loss of BRCA1 function is a known mechanism of disease. Based on the available evidence, this variant is classified as Pathogenic.

Quest Diagnostics Nichols Institute San Juan Capistrano
Classification: Pathogenic. Last evaluated: 2022-07-11. Review status: criteria provided, single submitter. Criteria: Quest Diagnostics criteria. Collection method: clinical testing. Allele origin: unknown. Not counted in ClinVar's aggregate classification.
Comment: This frameshift variant alters the translational reading frame of the BRCA1 mRNA and causes the premature termination of BRCA1 protein synthesis. This variant has not been reported in large, multi-ethnic general populations. In the published literature, the variant has been reported in individuals with hereditary breast and/or ovarian cancer (PMIDs: 34026625 (2021), 32438681 (2020), 31336956 (2019), 30720863 (2019), 24065113 (2014), 18821011 (2009)). It has also been reported in individuals with breast cancer as well as in unaffected controls in a breast cancer association study (PMID: 33471991 (2021), see also LOVD). This variant is described as a founder variant in Italy (PMIDs: 24312913 (2013), 23199084 (2010), 18821011 (2009)). Based on the available information, this variant is classified as pathogenic.

Ambry Genetics
Classification: Pathogenic for Hereditary cancer-predisposing syndrome. Last evaluated: 2019-01-30. Review status: criteria provided, single submitter. Criteria: Ambry Variant Classification Scheme 2023. Collection method: clinical testing. Allele origin: germline. Not counted in ClinVar's aggregate classification.
Comment: The c.3285delA pathogenic mutation, located in coding exon 9 of the BRCA1 gene, results from a deletion of one nucleotide at nucleotide position 3285, causing a translational frameshift with a predicted alternate stop codon (p.K1095Nfs*14). This mutation has been previously described in three unrelated Tuscan hereditary breast and ovarian cancer (HBOC) syndrome families (Papi L et al. Breast Cancer Res. Treat. 2009 Oct;117:497-504). In addition to the clinical data presented in the literature, this alteration is expected to result in loss of function by premature protein truncation or nonsense-mediated mRNA decay. As such, this alteration is interpreted as a disease-causing mutation.

GeneDx
Classification: Pathogenic. Last evaluated: 2016-08-03. Review status: criteria provided, single submitter. Criteria: GeneDx Variant Classification (06012015). Collection method: clinical testing. Allele origin: germline. Affected: yes. Not counted in ClinVar's aggregate classification.
Comment: This deletion of one nucleotide in BRCA1 is denoted c.3285delA at the cDNA level and p.Lys1095AsnfsX14 (K1095NfsX14) at the protein level. The normal sequence, with the base that is deleted in brackets, is ATAA[delA]CAAA. The deletion causes a frameshift which changes a Lysine to an Asparagine at codon 1095, and creates a premature stop codon at position 14 of the new reading frame. This variant is predicted to cause loss of normal protein function through either protein truncation or nonsense-mediated mRNA decay. BRCA1 c.3285delA, previously published as 3404delA using alternate nomenclature, has been reported in association with Hereditary Breast and Ovarian Cancer (Papi 2009, Caux-Moncoutier 2011). We consider this variant to be pathogenic.

Consortium of Investigators of Modifiers of BRCA1/2 (CIMBA), c/o University of Cambridge
Classification: Pathogenic for Breast-ovarian cancer, familial, susceptibility to, 1. Last evaluated: 2015-10-02. Review status: criteria provided, single submitter. Criteria: CIMBA Mutation Classification guidelines May 2016. Collection method: clinical testing. Allele origin: germline. Not counted in ClinVar's aggregate classification.

Counsyl
Classification: Likely pathogenic for Breast-ovarian cancer, familial 1. Last evaluated: 2014-08-25. Review status: no assertion criteria provided. Collection method: literature only. Allele origin: unknown. Inheritance: Autosomal dominant inheritance. Not counted in ClinVar's aggregate classification.

Literature cited by the submitters: PubMed 20104584 (cited by Labcorp Genetics (formerly Invitae), Labcorp); PubMed 18821011 (cited by 5 submitters); PubMed 31336956 (cited by 3 submitters); PubMed 21120943 (cited by Color Diagnostics, LLC DBA Color Health and Counsyl); PubMed 23199084 (cited by Color Diagnostics, LLC DBA Color Health and Quest Diagnostics Nichols Institute San Juan Capistrano); PubMed 30263092 (cited by Color Diagnostics, LLC DBA Color Health); PubMed 32438681 (cited by Color Diagnostics, LLC DBA Color Health and Quest Diagnostics Nichols Institute San Juan Capistrano); PubMed 33471991 (cited by Color Diagnostics, LLC DBA Color Health and Quest Diagnostics Nichols Institute San Juan Capistrano); PubMed 24312913 (cited by Quest Diagnostics Nichols Institute San Juan Capistrano); PubMed 23942203 (cited by Quest Diagnostics Nichols Institute San Juan Capistrano); PubMed 24065113 (cited by Quest Diagnostics Nichols Institute San Juan Capistrano); PubMed 34026625 (cited by Quest Diagnostics Nichols Institute San Juan Capistrano); PubMed 29446198 (cited by Quest Diagnostics Nichols Institute San Juan Capistrano); PubMed 30720863 (cited by Quest Diagnostics Nichols Institute San Juan Capistrano).